The following is an entry in ClinVar:

ClinVar aggregate classification (germline): Uncertain significance (1 of 4 stars; one submission).

Submission:

Labcorp Genetics (formerly Invitae), Labcorp
Classification: Uncertain significance. Last evaluated: 2021-08-14. Review status: criteria provided, single submitter. Criteria: Invitae Variant Classification Sherloc (09022015). Collection method: clinical testing. Allele origin: germline.
Comment: This sequence change replaces proline with serine at codon 182 of the ASNS protein (p.Pro182Ser). The proline residue is highly conserved and there is a moderate physicochemical difference between proline and serine. This variant is not present in population databases (ExAC no frequency). This variant has not been reported in the literature in individuals affected with ASNS-related conditions. Advanced modeling of protein sequence and biophysical properties (such as structural, functional, and spatial information, amino acid conservation, physicochemical variation, residue mobility, and thermodynamic stability) performed at Invitae indicates that this missense variant is expected to disrupt ASNS protein function. In summary, the available evidence is currently insufficient to determine the role of this variant in disease. Therefore, it has been classified as a Variant of Uncertain Significance.

NM_001673.5(ASNS):c.544C>T (p.Pro182Ser)

Genes: ASNS (asparagine synthetase (glutamine-hydrolyzing); minus strand), CZ1P-ASNS (CZ1P-ASNS readthrough; minus strand). Cytogenetic location: 7q21.3.
Variant type: single nucleotide variant.
Coding change: c.544C>T on transcript NM_001673.5 (MANE Select); coding-DNA position 544, C replaced by T.
Protein change: p.Pro182Ser; replaces proline 182 with serine.
Molecular consequence: missense variant. On other transcripts: non-coding transcript variant (1).
Genome position (GRCh38, 1-based): chr7:97,859,342, G>A on the plus strand (C>T on the coding strand, the complement: ASNS is on the minus strand). VCF-style: chr7-97859342-G-A. GRCh37 (hg19) VCF-style: chr7-97488654-G-A.
Other names: c.481C>T, p.Pro161Ser (NM_001178075.2); c.295C>T, p.Pro99Ser (NM_001178076.2, NM_001178077.1); c.544C>T, p.Pro182Ser (NM_001352496.2, NM_133436.3, NM_183356.4); short protein forms P182S, P99S, P161S.
Identifiers: ClinVar variation 1380934 (VCV001380934.5), dbSNP rs2115660406, ClinGen allele CA368269998.
Genomic context (GRCh38, chr7:97,859,342, plus strand): 5'-CCATTTCCACGGATGCAACTTTGCCATTTGGCTTTAAATCCAAAACTTCATAGTGTCCAG[G>A]AAGAAAAGGCTCCACTTTTAAAAAGGGAGTCGCGGAGTGCTTCAATGTAACAAGACCTAG-3'
Protein context (NP_001664.3, residues 172-192): TPFLKVEPFL[Pro182Ser]GHYEVLDLKP